The following is an entry in ClinVar:

NM_018941.4(CLN8):c.385C>G (p.Arg129Gly)

Gene: CLN8 (CLN8 transmembrane ER and ERGIC protein; plus strand). Cytogenetic location: 8p23.3.
Variant type: single nucleotide variant.
Coding change: c.385C>G on transcript NM_018941.4 (MANE Select); coding-DNA position 385, C replaced by G.
Protein change: p.Arg129Gly; replaces arginine 129 with glycine.
Molecular consequence: missense variant.
Genome position (GRCh38, 1-based): chr8:1,771,439, C>G. VCF-style: chr8-1771439-C-G. GRCh37 (hg19) VCF-style: chr8-1719605-C-G.
Other names: short protein forms R129G.
Identifiers: ClinVar variation 2139637 (VCV002139637.2), dbSNP rs143694317, ClinGen allele CA369953456.

ClinVar aggregate classification (germline): Uncertain significance (1 of 4 stars; one submission).

Conditions:
Neuronal ceroid lipofuscinosis. Also called: Neuronal Ceroid Lipofuscinoses. Identifiers: Orphanet 216, Orphanet 79263, MedGen C0027877, MONDO:0016295. Disease mechanism: loss of function.

Submission:

Labcorp Genetics (formerly Invitae), Labcorp
Classification: Uncertain significance for Neuronal ceroid lipofuscinosis. Last evaluated: 2022-02-05. Review status: criteria provided, single submitter. Criteria: Invitae Variant Classification Sherloc (09022015). Collection method: clinical testing. Allele origin: germline.
Comment: This sequence change replaces arginine, which is basic and polar, with glycine, which is neutral and non-polar, at codon 129 of the CLN8 protein (p.Arg129Gly). This variant is not present in population databases (gnomAD no frequency). In summary, the available evidence is currently insufficient to determine the role of this variant in disease. Therefore, it has been classified as a Variant of Uncertain Significance. Advanced modeling of protein sequence and biophysical properties (such as structural, functional, and spatial information, amino acid conservation, physicochemical variation, residue mobility, and thermodynamic stability) performed at Invitae indicates that this missense variant is not expected to disrupt CLN8 protein function. This variant has not been reported in the literature in individuals affected with CLN8-related conditions.